The following is an entry in ClinVar:

NM_001009999.3(KDM1A):c.1976C>T (p.Pro659Leu)

Gene: KDM1A (lysine demethylase 1A; plus strand). Cytogenetic location: 1p36.12.
Variant type: single nucleotide variant.
Coding change: c.1976C>T on transcript NM_001009999.3 (MANE Select); coding-DNA position 1976, C replaced by T.
Protein change: p.Pro659Leu; replaces proline 659 with leucine.
Molecular consequence: missense variant.
Genome position (GRCh38, 1-based): chr1:23,079,098, C>T. VCF-style: chr1-23079098-C-T. GRCh37 (hg19) VCF-style: chr1-23405591-C-T.
Other names: c.1922C>T, p.Pro641Leu (NM_001363654.2); c.1982C>T, p.Pro661Leu (NM_001410762.1); c.1904C>T, p.Pro635Leu (NM_001410763.1, NM_015013.4); short protein forms P635L, P659L, P641L, P661L.
Identifiers: ClinVar variation 4091027 (VCV004091027.1).
Genomic context (GRCh38, chr1:23,079,098, plus strand): 5'-TTTATAAATGCGACGCAGTTCTCTGTACCCTTCCCCTGGGTGTGCTGAAGCAGCAGCCAC[C>T]AGCCGTTCAGTTTGTGCCACCTCTCCCTGAGTGGAAAACATCTGCAGTCCAAAGGATGGG-3'
Protein context (NP_001009999.1, residues 649-669): LPLGVLKQQP[Pro659Leu]AVQFVPPLPE

ClinVar aggregate classification (germline): Uncertain significance (1 of 4 stars; one submission).

Conditions:
Inborn genetic diseases. Identifiers: MedGen C0950123, MeSH D030342.

Submission:

Ambry Genetics
Classification: Uncertain significance for Inborn genetic diseases. Last evaluated: 2025-06-20. Review status: criteria provided, single submitter. Criteria: Ambry Variant Classification Scheme 2023. Collection method: clinical testing. Allele origin: germline.
Comment: The p.P659L variant (also known as c.1976C>T), located in coding exon 17 of the KDM1A gene, results from a C to T substitution at nucleotide position 1976. The proline at codon 659 is replaced by leucine, an amino acid with similar properties. This amino acid position is conserved. In addition, this alteration is predicted to be tolerated by in silico analysis. Based on the available evidence, the clinical significance of this variant remains unclear.